The following is an entry in ClinVar:

ClinVar aggregate classification (germline): Likely benign. Review status: criteria provided, multiple submitters, no conflicts (2 of 4 stars). 6 submissions from 6 submitters: Likely benign (5). 1 of the submissions does not count toward it. Last evaluated 2026-08-01.

Conditions:
Tatton-Brown-Rahman overgrowth syndrome. Also called: Tall stature-intellectual disability-facial dysmorphism syndrome; Tatton-Brown-Rahman syndrome. Identifiers: Orphanet 404443, MedGen C4014545, MONDO:0014382, OMIM 615879.
DNMT3A-related disorder. Also called: DNMT3A-related disorders; DNMT3A-related condition.
Inborn genetic diseases. Identifiers: MedGen C0950123, MeSH D030342.

Allele frequency attached by ClinVar (database versions not stated): gnomAD 0.00011 and 0.00013; gnomAD exomes 0.00016 and 0.00026; 1000 Genomes Project 0.00020; ExAC 0.00020; TOPMed 0.00020; 1000 Genomes Project 30x 0.00031; ESP Exome Variant Server 0.00038.
gnomAD v4.1: 397 of 1,614,158 alleles (0.025%); highest among the groups gnomAD compares: Non-Finnish European, 0.032%; no homozygotes.

Submissions (6):

CeGaT Center for Human Genetics Tuebingen
Classification: Likely benign. Last evaluated: 2026-08-01. Review status: criteria provided, single submitter. Criteria: CeGaT Center For Human Genetics Tuebingen Variant Classification Criteria Version 2. Collection method: clinical testing. Allele origin: germline. Affected: yes. Observed: 1 variant allele.
Comment: DNMT3A: BP4, BS1

Labcorp Genetics (formerly Invitae), Labcorp
Classification: Likely benign for Tatton-Brown-Rahman overgrowth syndrome. Last evaluated: 2026-02-03. Review status: criteria provided, single submitter. Criteria: Invitae Variant Classification Sherloc (09022015). Collection method: clinical testing. Allele origin: germline.

Ambry Genetics
Classification: Likely benign for Inborn genetic diseases. Last evaluated: 2024-10-15. Review status: criteria provided, single submitter. Criteria: Ambry Variant Classification Scheme 2023. Collection method: clinical testing. Allele origin: germline.

Blueprint Genetics
Classification: Likely benign. Last evaluated: 2024-05-17. Review status: criteria provided, single submitter. Criteria: ACMG Guidelines, 2015. Collection method: clinical testing. Allele origin: germline.

GeneDx
Classification: Likely benign. Last evaluated: 2020-01-09. Review status: criteria provided, single submitter. Criteria: GeneDx Variant Classification Process June 2021. Collection method: clinical testing. Allele origin: germline. Affected: yes.
Comment: This variant is associated with the following publications: (PMID: 24914952)

PreventionGenetics, part of Exact Sciences
Classification: Likely benign for DNMT3A-related condition. Last evaluated: 2021-06-09. Review status: no assertion criteria provided. Collection method: clinical testing. Allele origin: germline. Not counted in ClinVar's aggregate classification.
Comment: This variant is classified as likely benign based on ACMG/AMP sequence variant interpretation guidelines (Richards et al. 2015 PMID: 25741868, with internal and published modifications).

NM_022552.5(DNMT3A):c.2658G>A (p.Gln886=)

Gene: DNMT3A (DNA methyltransferase 3 alpha; minus strand). Cytogenetic location: 2p23.3.
Variant type: single nucleotide variant.
Coding change: c.2658G>A on transcript NM_022552.5 (MANE Select); coding-DNA position 2658, G replaced by A.
Protein change: p.Gln886=; no amino-acid change (glutamine 886 retained).
Molecular consequence: synonymous variant. On other transcripts: non-coding transcript variant (1).
Genome position (GRCh38, 1-based): chr2:25,234,360, C>T on the plus strand (G>A on the coding strand, the complement: DNMT3A is on the minus strand). VCF-style: chr2-25234360-C-T. GRCh37 (hg19) VCF-style: chr2-25457229-C-T.
Other names: c.2202G>A, p.Gln734= (NM_001320893.1); c.1989G>A, p.Gln663= (NM_001375819.1); c.2091G>A, p.Gln697= (NM_153759.3); c.2658G>A, p.Gln886= (NM_175629.2); c.2658G>A (NM_022552.3).
Identifiers: ClinVar variation 771569 (VCV000771569.15), dbSNP rs375544980, ClinGen allele CA1555483.